The following is an entry in ClinVar:

NM_000245.4(MET):c.2561A>G (p.Asn854Ser)

Gene: MET (MET proto-oncogene, receptor tyrosine kinase; plus strand). Cytogenetic location: 7q31.2.
Variant type: single nucleotide variant.
Coding change: c.2561A>G on transcript NM_000245.4 (MANE Select); coding-DNA position 2561, A replaced by G.
Protein change: p.Asn854Ser; replaces asparagine 854 with serine.
Molecular consequence: missense variant.
Genome position (GRCh38, 1-based): chr7:116,763,246, A>G. VCF-style: chr7-116763246-A-G. GRCh37 (hg19) VCF-style: chr7-116403300-A-G.
Other names: c.2615A>G, p.Asn872Ser (NM_001127500.3); c.2561A>G, p.Asn854Ser (NM_001324401.3); c.1271A>G, p.Asn424Ser (NM_001324402.2); c.2615A>G (NM_001127500.1); short protein forms N854S, N872S, N424S.
Identifiers: ClinVar variation 1487571 (VCV001487571.7), dbSNP rs2116957192, ClinGen allele CA368983650.

ClinVar aggregate classification (germline): Conflicting classifications of pathogenicity. Review status: criteria provided, conflicting classifications (1 of 4 stars). 2 submissions from 2 submitters: Uncertain significance (1); Likely benign (1). Last evaluated 2025-12-23.

Conditions:
Renal cell carcinoma. Identifiers: Orphanet 217071, MedGen C0007134, MeSH D002292, MONDO:0005086, HP:0005584.
Hereditary cancer-predisposing syndrome. Also called: Neoplastic Syndromes, Hereditary; Tumor predisposition; Hereditary Cancer Syndrome; Hereditary neoplastic syndrome. Identifiers: Orphanet 140162, MedGen C0027672, MeSH D009386, MONDO:0015356.

Submissions (2):

Ambry Genetics
Classification: Likely benign for Hereditary cancer-predisposing syndrome. Last evaluated: 2025-12-23. Review status: criteria provided, single submitter. Criteria: Ambry Variant Classification Scheme 2023. Collection method: clinical testing. Allele origin: germline.

Labcorp Genetics (formerly Invitae), Labcorp
Classification: Uncertain significance for Renal cell carcinoma. Last evaluated: 2021-11-19. Review status: criteria provided, single submitter. Criteria: Invitae Variant Classification Sherloc (09022015). Collection method: clinical testing. Allele origin: germline.
Comment: This variant has not been reported in the literature in individuals affected with MET-related conditions. In summary, the available evidence is currently insufficient to determine the role of this variant in disease. Therefore, it has been classified as a Variant of Uncertain Significance. Algorithms developed to predict the effect of sequence changes on RNA splicing suggest that this variant may create or strengthen a splice site. Algorithms developed to predict the effect of missense changes on protein structure and function output the following: SIFT: "Deleterious"; PolyPhen-2: "Benign"; Align-GVGD: "Class C0". The serine amino acid residue is found in multiple mammalian species, which suggests that this missense change does not adversely affect protein function. This variant is not present in population databases (gnomAD no frequency). This sequence change replaces asparagine, which is neutral and polar, with serine, which is neutral and polar, at codon 872 of the MET protein (p.Asn872Ser).